The following is an entry in ClinVar:

ClinVar aggregate classification (germline): Benign/Likely benign. Review status: criteria provided, multiple submitters, no conflicts (2 of 4 stars). 4 submissions from 4 submitters: Benign (1); Likely benign (3). Last evaluated 2026-07-08.

Conditions:
Hereditary cancer-predisposing syndrome. Also called: Tumor predisposition; Neoplastic Syndromes, Hereditary; Hereditary Cancer Syndrome; Hereditary neoplastic syndrome. Identifiers: Orphanet 140162, MedGen C0027672, MeSH D009386, MONDO:0015356.
Rhabdoid tumor predisposition syndrome 2 (RTPS2). Identifiers: Orphanet 231108, Orphanet 69077, MedGen C2750074, MONDO:0013224, OMIM 613325.

Submissions (4):

Myriad Genetics, Inc.
Classification: Benign for Rhabdoid tumor predisposition syndrome 2. Last evaluated: 2026-07-08. Review status: criteria provided, single submitter. Criteria: Myriad Autosomal Dominant, Autosomal Recessive and X-Linked Classification Criteria (2023). Collection method: clinical testing. Allele origin: unknown.
Comment: This variant is considered benign. This variant is a silent/synonymous amino acid change and it is not expected to impact splicing.

Labcorp Genetics (formerly Invitae), Labcorp
Classification: Likely benign for Rhabdoid tumor predisposition syndrome 2. Last evaluated: 2023-11-14. Review status: criteria provided, single submitter. Criteria: Invitae Variant Classification Sherloc (09022015). Collection method: clinical testing. Allele origin: germline.

Ambry Genetics
Classification: Likely benign for Hereditary cancer-predisposing syndrome. Last evaluated: 2021-07-06. Review status: criteria provided, single submitter. Criteria: Ambry Variant Classification Scheme 2023. Collection method: clinical testing. Allele origin: germline.

GeneDx
Classification: Likely benign. Last evaluated: 2018-01-18. Review status: criteria provided, single submitter. Criteria: GeneDx Variant Classification (06012015). Collection method: clinical testing. Allele origin: germline. Affected: yes.
Comment: This variant is considered likely benign or benign based on one or more of the following criteria: it is a conservative change, it occurs at a poorly conserved position in the protein, it is predicted to be benign by multiple in silico algorithms, and/or has population frequency not consistent with disease.

NM_003072.5(SMARCA4):c.6C>T (p.Ser2=)

Gene: SMARCA4 (SWI/SNF related BAF chromatin remodeling complex subunit ATPase 4; plus strand). Cytogenetic location: 19p13.2.
Variant type: single nucleotide variant.
Coding change: c.6C>T on transcript NM_003072.5 (MANE Select); coding-DNA position 6, C replaced by T.
Protein change: p.Ser2=; no amino-acid change (serine 2 retained).
Molecular consequence: synonymous variant. On other transcripts: non-coding transcript variant (1).
Genome position (GRCh38, 1-based): chr19:10,984,157, C>T. VCF-style: chr19-10984157-C-T. GRCh37 (hg19) VCF-style: chr19-11094833-C-T.
Other names: c.6C>T, p.Ser2= (NM_001128844.3, NM_001128845.2, NM_001128846.2 and 5 more transcripts).
Identifiers: ClinVar variation 515019 (VCV000515019.15), dbSNP rs1555750570, ClinGen allele CA505486996.
Genomic context (GRCh38, chr19:10,984,157, plus strand): 5'-AGACTGACCAGGACTGTCTTCCAGCAGGAGGCCACTGTCTGCAGCTCCCGTGAAGATGTC[C>T]ACTCCAGACCCACCCCTGGGCGGAACTCCTCGGCCAGGTCCTTCCCCGGGCCCTGGCCCT-3'
Protein context (NP_003063.2, residues 1-12): M[Ser2=]TPDPPLGGTP